The following is an entry in ClinVar:

NM_020297.4(ABCC9):c.17G>C (p.Cys6Ser)

Gene: ABCC9 (ATP binding cassette subfamily C member 9; minus strand). Cytogenetic location: 12p12.1.
Variant type: single nucleotide variant.
Coding change: c.17G>C on transcript NM_020297.4 (MANE Select); coding-DNA position 17, G replaced by C.
Protein change: p.Cys6Ser; replaces cysteine 6 with serine.
Molecular consequence: missense variant. On other transcripts: 5 prime UTR variant (1).
Genome position (GRCh38, 1-based): chr12:21,936,658, C>G on the plus strand (G>C on the coding strand, the complement: ABCC9 is on the minus strand). VCF-style: chr12-21936658-C-G. GRCh37 (hg19) VCF-style: chr12-22089592-C-G.
Other names: c.17G>C, p.Cys6Ser (NM_001377273.1, NM_005691.4); c.-438G>C (NM_001377274.1); short protein forms C6S.
Identifiers: ClinVar variation 3345661 (VCV003345661.1).

ClinVar aggregate classification (germline): Uncertain significance (0 of 4 stars; one submission).

Conditions:
ABCC9-related disorder. Also called: ABCC9-related condition; ABCC9-related disorders.

Submission:

PreventionGenetics, part of Exact Sciences
Classification: Uncertain significance for ABCC9-related condition. Last evaluated: 2024-07-30. Review status: no assertion criteria provided. Collection method: clinical testing. Allele origin: germline.
Comment: The ABCC9 c.17G>C variant is predicted to result in the amino acid substitution p.Cys6Ser. To our knowledge, this variant has not been reported in the literature or in a large population database, indicating this variant is rare. At this time, the clinical significance of this variant is uncertain due to the absence of conclusive functional and genetic evidence.